The following is an entry in ClinVar:

ClinVar aggregate classification (germline): Uncertain significance (1 of 4 stars; one submission).

Allele frequency attached by ClinVar (database versions not stated): ExAC 0.00001; gnomAD 0.00001; TOPMed 0.00002.
gnomAD v4.1: 25 of 1,613,638 alleles (0.0015%); highest among the groups gnomAD compares: African/African-American, 0.0027%; no homozygotes.

Submission:

Ambry Genetics
Classification: Uncertain significance. Last evaluated: 2023-12-08. Review status: criteria provided, single submitter. Criteria: Ambry Variant Classification Scheme 2023. Collection method: clinical testing. Allele origin: germline.
Comment: The p.R1296Q variant (also known as c.3887G>A), located in coding exon 26 of the MYOM1 gene, results from a G to A substitution at nucleotide position 3887. The arginine at codon 1296 is replaced by glutamine, an amino acid with highly similar properties. This amino acid position is conserved. In addition, this alteration is predicted to be tolerated by in silico analysis. Since supporting evidence is limited at this time, the clinical significance of this alteration remains unclear.

NM_003803.4(MYOM1):c.3887G>A (p.Arg1296Gln)

Gene: MYOM1 (myomesin 1; minus strand). Cytogenetic location: 18p11.31.
Variant type: single nucleotide variant.
Coding change: c.3887G>A on transcript NM_003803.4 (MANE Select); coding-DNA position 3887, G replaced by A.
Protein change: p.Arg1296Gln; replaces arginine 1296 with glutamine.
Molecular consequence: missense variant.
Genome position (GRCh38, 1-based): chr18:3,090,780, C>T on the plus strand (G>A on the coding strand, the complement: MYOM1 is on the minus strand). VCF-style: chr18-3090780-C-T. GRCh37 (hg19) VCF-style: chr18-3090778-C-T.
Other names: c.3599G>A, p.Arg1200Gln (NM_019856.2); short protein forms R1200Q, R1296Q.
Identifiers: ClinVar variation 3223564 (VCV003223564.1), dbSNP rs751244847, ClinGen allele CA8874124.